The following is an entry in ClinVar:

ClinVar aggregate classification (germline): Pathogenic. Review status: reviewed by expert panel (3 of 4 stars). 2 submissions from 2 submitters: Pathogenic (1). 1 of the submissions does not count toward it. Last evaluated 2016-10-18.

Conditions:
Breast-ovarian cancer, familial, susceptibility to, 1 (BROVCA1). Also called: BRCA1 Hereditary Breast and Ovarian Cancer; OVARIAN CANCER, SUSCEPTIBILITY TO. Identifiers: Orphanet 145, MedGen C2676676, MONDO:0011450, OMIM 604370. Disease mechanism: loss of function.

Submissions (2):

Evidence-based Network for the Interpretation of Germline Mutant Alleles (ENIGMA)
Classification: Pathogenic for Breast-ovarian cancer, familial, susceptibility to, 1. Last evaluated: 2016-10-18. Review status: reviewed by expert panel. Criteria: ENIGMA BRCA1/2 Classification Criteria (2015). Collection method: curation. Allele origin: germline.
Comment: Variant allele predicted to encode a truncated non-functional protein.

Consortium of Investigators of Modifiers of BRCA1/2 (CIMBA), c/o University of Cambridge
Classification: Pathogenic for Breast-ovarian cancer, familial, susceptibility to, 1. Last evaluated: 2015-10-02. Review status: criteria provided, single submitter. Criteria: CIMBA Mutation Classification guidelines May 2016. Collection method: clinical testing. Allele origin: germline. Not counted in ClinVar's aggregate classification.

NM_007294.4(BRCA1):c.4137_4138del (p.Glu1380fs)

Gene: BRCA1 (BRCA1 DNA repair associated; minus strand). Cytogenetic location: 17q21.31.
Variant type: Deletion.
Coding change: c.4137_4138del on transcript NM_007294.4 (MANE Select); coding-DNA positions 4137 to 4138, 2 bases deleted (TG; older notation c.4137_4138delTG).
Protein change: p.Glu1380fs; shifts the reading frame from glutamic acid 1380.
Molecular consequence: frameshift variant. On other transcripts: non-coding transcript variant (1).
Genome position (GRCh38, 1-based): chr17:43,090,991-43,090,992, CA deleted on the plus strand (TG on the coding strand, the reverse complement: BRCA1 is on the minus strand). VCF-style (leftmost placement, unchanged base first): chr17-43090990-TCA-T. GRCh37 (hg19) VCF-style: chr17-41243007-TCA-T.
Other names: 4256delTG; c.4014_4015delTG, p.Glu1339Argfs (NM_001407665.1, NM_001407666.1, NM_001407667.1 and 19 more transcripts); c.4011_4012delTG, p.Glu1338Argfs (NM_001407670.1, NM_001407671.1, NM_001407672.1 and 11 more transcripts); c.4137_4138delTG, p.Glu1380Argfs (NM_001407684.1, NM_001407854.1, NM_001407858.1 and 30 more transcripts); c.3996_3997delTG, p.Glu1333Argfs (NM_001407692.1, NM_001407694.1, NM_001407695.1 and 28 more transcripts); c.3993_3994delTG, p.Glu1332Argfs (NM_001407740.1, NM_001407741.1, NM_001407742.1 and 20 more transcripts); c.3924_3925delTG, p.Glu1309Argfs (NM_001407853.1, NM_001407894.1, NM_001407895.1 and 9 more transcripts); c.4134_4135delTG, p.Glu1379Argfs (NM_001407860.1, NM_001407861.1, NM_001407587.1 and 22 more transcripts); and 45 more; short protein forms E1333fs, E277fs, E1380fs.
Identifiers: ClinVar variation 266451 (VCV000266451.6), dbSNP rs886040209, ClinGen allele CA10589686.
Genomic context (GRCh38, chr17:43,090,990, plus strand): 5'-CACACGCTTTTTACCTGAGTGGTTAAAATGTCACTCTGAGAGGATAGCCCTGAGCAGTCT[TCA>T]GAGACGCTTGTTTCACTCTCACACCCAGATGCTGCTTCACCTTAAATAACAAAAACAGAG-3'